The following is an entry in ClinVar:

NM_000038.6(APC):c.3458A>C (p.His1153Pro)

Gene: APC (APC regulator of Wnt signaling pathway; plus strand). Cytogenetic location: 5q22.2.
Variant type: single nucleotide variant.
Coding change: c.3458A>C on transcript NM_000038.6 (MANE Select); coding-DNA position 3458, A replaced by C.
Protein change: p.His1153Pro; replaces histidine 1153 with proline.
Molecular consequence: missense variant. On other transcripts: non-coding transcript variant (2).
Genome position (GRCh38, 1-based): chr5:112,839,052, A>C. VCF-style: chr5-112839052-A-C. GRCh37 (hg19) VCF-style: chr5-112174749-A-C.
Other names: c.3458A>C, p.His1153Pro (NM_001127510.3, NM_001354895.2, NM_001407450.1); c.3404A>C, p.His1135Pro (NM_001127511.3); c.3512A>C, p.His1171Pro (NM_001354896.2, NM_001407447.1, NM_001407448.1 and 1 more transcripts); c.3488A>C, p.His1163Pro (NM_001354897.2); c.3383A>C, p.His1128Pro (NM_001354898.2); c.3374A>C, p.His1125Pro (NM_001354899.2); c.3335A>C, p.His1112Pro (NM_001354900.2); c.3281A>C, p.His1094Pro (NM_001354901.2, NM_001407453.1); and 11 more; short protein forms H1128P, H1153P, H993P, H1024P, H1112P, H1143P, H1146P, H1163P.
Identifiers: ClinVar variation 3929714 (VCV003929714.1).

ClinVar aggregate classification (germline): Uncertain significance (1 of 4 stars; one submission).

Conditions:
Hereditary cancer-predisposing syndrome. Also called: Hereditary Cancer Syndrome; Hereditary neoplastic syndrome; Neoplastic Syndromes, Hereditary; Tumor predisposition. Identifiers: Orphanet 140162, MedGen C0027672, MeSH D009386, MONDO:0015356.

Submission:

Ambry Genetics
Classification: Uncertain significance for Hereditary cancer-predisposing syndrome. Last evaluated: 2025-06-02. Review status: criteria provided, single submitter. Criteria: Ambry Variant Classification Scheme 2023. Collection method: clinical testing. Allele origin: germline.
Comment: The p.H1153P variant (also known as c.3458A>C), located in coding exon 15 of the APC gene, results from an A to C substitution at nucleotide position 3458. The histidine at codon 1153 is replaced by proline, an amino acid with similar properties. This amino acid position is well conserved in available vertebrate species. In addition, in silico predictors for this gene do not accurately predict pathogenicity. Missense alterations in APC are not a common cause of disease (Spier I et al. Genet Med. 2024 Feb;26(2):100992). Based on the available evidence, the clinical significance of this variant remains unclear.